The following is an entry in ClinVar:

NM_001614.5(ACTG1):c.33C>T (p.Asp11=)

Genes: ACTG1 (actin gamma 1; minus strand), LOC130061940 (ATAC-STARR-seq lymphoblastoid active region 12964; plus strand). Cytogenetic location: 17q25.3.
Variant type: single nucleotide variant.
Coding change: c.33C>T on transcript NM_001614.5 (MANE Select); coding-DNA position 33, C replaced by T.
Protein change: p.Asp11=; no amino-acid change (aspartic acid 11 retained).
Molecular consequence: synonymous variant. On other transcripts: non-coding transcript variant (1).
Genome position (GRCh38, 1-based): chr17:81,512,322, G>A on the plus strand (C>T on the coding strand, the complement: ACTG1 is on the minus strand). VCF-style: chr17-81512322-G-A. GRCh37 (hg19) VCF-style: chr17-79479348-G-A.
Other names: c.33C>T, p.Asp11= (NM_001199954.3).
Identifiers: ClinVar variation 3352990 (VCV003352990.3).

ClinVar aggregate classification (germline): Likely benign. Review status: criteria provided, single submitter (1 of 4 stars). 2 submissions from 2 submitters: Likely benign (1). 1 of the submissions does not count toward it. Last evaluated 2024-04-05.

Conditions:
Autosomal dominant nonsyndromic hearing loss 20. Identifiers: Orphanet 90635, MedGen C1858172, MONDO:0011480, OMIM 604717.
Baraitser-winter syndrome 2. Identifiers: Orphanet 2995, MedGen C3281235, MONDO:0013812, OMIM 614583.
ACTG1-related disorder. Also called: ACTG1-related disorders; ACTG1-related condition.

Submissions (2):

Labcorp Genetics (formerly Invitae), Labcorp
Classification: Likely benign for Baraitser-winter syndrome 2; Autosomal dominant nonsyndromic hearing loss 20. Last evaluated: 2024-04-05. Review status: criteria provided, single submitter. Criteria: Invitae Variant Classification Sherloc (09022015). Collection method: clinical testing. Allele origin: germline.

PreventionGenetics, part of Exact Sciences
Classification: Likely benign for ACTG1-related condition. Last evaluated: 2024-09-17. Review status: no assertion criteria provided. Collection method: clinical testing. Allele origin: germline. Not counted in ClinVar's aggregate classification.
Comment: This variant is classified as likely benign based on ACMG/AMP sequence variant interpretation guidelines (Richards et al. 2015 PMID: 25741868, with internal and published modifications).